The following is an entry in ClinVar:

ClinVar aggregate classification (germline): Uncertain significance. Review status: criteria provided, multiple submitters, no conflicts (2 of 4 stars). 3 submissions from 3 submitters: Uncertain significance (3). Last evaluated 2023-07-27.

Allele frequency attached by ClinVar (database versions not stated): gnomAD exomes 0.00007 and 0.00014; ExAC 0.00011; gnomAD 0.00011 and 0.00012; TOPMed 0.00013; 1000 Genomes Project 30x 0.00016; 1000 Genomes Project 0.00020.
gnomAD v4.1: 132 of 1,614,110 alleles (0.0082%); highest among the groups gnomAD compares: Middle Eastern, 0.082%; no homozygotes.

Submissions (3):

Women's Health and Genetics/Laboratory Corporation of America, LabCorp
Classification: Uncertain significance. Last evaluated: 2023-07-27. Review status: criteria provided, single submitter. Criteria: LabCorp Variant Classification Summary - May 2015. Collection method: clinical testing. Allele origin: germline.
Comment: Variant summary: BMPER c.1792T>C (p.Tyr598His) results in a conservative amino acid change located in the VWF/SSPO/Zonadhesin-like, cysteine-rich domain (IPR014853) of the encoded protein sequence. Four of five in-silico tools predict a benign effect of the variant on protein function. The variant allele was found at a frequency of 0.00014 in 251370 control chromosomes. To our knowledge, no occurrence of c.1792T>C in individuals affected with Diaphanospondylodysostosis and no experimental evidence demonstrating its impact on protein function have been reported. One submitter has cited clinical-significance assessments for this variant to ClinVar after 2014 and has classified the variant as uncertain significance. Based on the evidence outlined above, the variant was classified as uncertain significance.

Labcorp Genetics (formerly Invitae), Labcorp
Classification: Uncertain significance. Last evaluated: 2022-06-27. Review status: criteria provided, single submitter. Criteria: Invitae Variant Classification Sherloc (09022015). Collection method: clinical testing. Allele origin: germline.
Comment: This sequence change replaces tyrosine, which is neutral and polar, with histidine, which is basic and polar, at codon 598 of the BMPER protein (p.Tyr598His). This variant is present in population databases (rs570211162, gnomAD 0.07%). This variant has not been reported in the literature in individuals affected with BMPER-related conditions. Algorithms developed to predict the effect of missense changes on protein structure and function are either unavailable or do not agree on the potential impact of this missense change (SIFT: "Deleterious"; PolyPhen-2: "Benign"; Align-GVGD: "Class C0"). In summary, the available evidence is currently insufficient to determine the role of this variant in disease. Therefore, it has been classified as a Variant of Uncertain Significance.

Breakthrough Genomics
Classification: Uncertain significance. Review status: criteria provided, single submitter. Criteria: ACMG Guidelines, 2015. Collection method: not provided. Allele origin: germline. Inheritance: Autosomal recessive inheritance. Affected: yes.

NM_001365308.1(BMPER):c.1792T>C (p.Tyr598His)

Gene: BMPER (BMP binding endothelial regulator; plus strand). Cytogenetic location: 7p14.3.
Variant type: single nucleotide variant.
Coding change: c.1792T>C on transcript NM_001365308.1 (MANE Select); coding-DNA position 1792, T replaced by C.
Protein change: p.Tyr598His; replaces tyrosine 598 with histidine.
Molecular consequence: missense variant.
Genome position (GRCh38, 1-based): chr7:34,143,276, T>C. VCF-style: chr7-34143276-T-C. GRCh37 (hg19) VCF-style: chr7-34182888-T-C.
Other names: c.1792T>C, p.Tyr598His (NM_133468.5); c.1792T>C (NM_133468.4); short protein forms Y598H.
Identifiers: ClinVar variation 1355917 (VCV001355917.4), dbSNP rs570211162, ClinGen allele CA4215515.